The following is an entry in ClinVar:

NM_021813.4(BACH2):c.1076C>T (p.Thr359Ile)

Gene: BACH2 (BACH transcriptional regulator 2; minus strand). Cytogenetic location: 6q15.
Variant type: single nucleotide variant.
Coding change: c.1076C>T on transcript NM_021813.4 (MANE Select); coding-DNA position 1076, C replaced by T.
Protein change: p.Thr359Ile; replaces threonine 359 with isoleucine.
Molecular consequence: missense variant.
Genome position (GRCh38, 1-based): chr6:89,951,030, G>A on the plus strand (C>T on the coding strand, the complement: BACH2 is on the minus strand). VCF-style: chr6-89951030-G-A. GRCh37 (hg19) VCF-style: chr6-90660749-G-A.
Other names: c.1076C>T (NM_021813.3); c.1076C>T, p.Thr359Ile (NM_001170794.2); short protein forms T359I.
Identifiers: ClinVar variation 1498596 (VCV001498596.10), dbSNP rs760735220, ClinGen allele CA3928052.

ClinVar aggregate classification (germline): Uncertain significance. Review status: criteria provided, single submitter (1 of 4 stars). 2 submissions from 2 submitters: Uncertain significance (1). 1 of the submissions does not count toward it. Last evaluated 2025-10-11.

Conditions:
BACH2-related disorder. Also called: BACH2-related condition.

Allele frequency attached by ClinVar (database versions not stated): gnomAD exomes 0.00002 and 0.00001; gnomAD 0.00004; ExAC 0.00002; TOPMed 0.00005.
gnomAD v4.1: 34 of 1,605,982 alleles (0.0021%); highest among the groups gnomAD compares: Admixed American, 0.0085%; no homozygotes.

Submissions (2):

Labcorp Genetics (formerly Invitae), Labcorp
Classification: Uncertain significance. Last evaluated: 2025-10-11. Review status: criteria provided, single submitter. Criteria: Invitae Variant Classification Sherloc (09022015). Collection method: clinical testing. Allele origin: germline.
Comment: This sequence change replaces threonine, which is neutral and polar, with isoleucine, which is neutral and non-polar, at codon 359 of the BACH2 protein (p.Thr359Ile). This variant is present in population databases (rs760735220, gnomAD 0.006%). This variant has not been reported in the literature in individuals affected with BACH2-related conditions. ClinVar contains an entry for this variant (Variation ID: 1498596). Invitae Evidence Modeling of protein sequence and biophysical properties (such as structural, functional, and spatial information, amino acid conservation, physicochemical variation, residue mobility, and thermodynamic stability) indicates that this missense variant is not expected to disrupt BACH2 protein function with a negative predictive value of 80%. In summary, the available evidence is currently insufficient to determine the role of this variant in disease. Therefore, it has been classified as a Variant of Uncertain Significance.

PreventionGenetics, part of Exact Sciences
Classification: Uncertain significance for BACH2-related condition. Last evaluated: 2024-01-19. Review status: no assertion criteria provided. Collection method: clinical testing. Allele origin: germline. Not counted in ClinVar's aggregate classification.
Comment: The BACH2 c.1076C>T variant is predicted to result in the amino acid substitution p.Thr359Ile. To our knowledge, this variant has not been reported in the literature. This variant is reported in 0.0059% of alleles in individuals of Latino descent in gnomAD. At this time, the clinical significance of this variant is uncertain due to the absence of conclusive functional and genetic evidence.